The following is an entry in ClinVar:

NM_152564.5(VPS13B):c.5223C>T (p.Ile1741=)

Gene: VPS13B (vacuolar protein sorting 13 homolog B; plus strand). Cytogenetic location: 8q22.2.
Variant type: single nucleotide variant.
Coding change: c.5223C>T on transcript NM_152564.5 (MANE Select); coding-DNA position 5223, C replaced by T.
Protein change: p.Ile1741=; no amino-acid change (isoleucine 1741 retained).
Molecular consequence: synonymous variant.
Genome position (GRCh38, 1-based): chr8:99,641,813, C>T. VCF-style: chr8-99641813-C-T. GRCh37 (hg19) VCF-style: chr8-100654041-C-T.
Other names: c.5298C>T, p.Ile1766= (NM_017890.5).
Identifiers: ClinVar variation 2760971 (VCV002760971.4), dbSNP rs144223843, ClinGen allele CA462464126.

ClinVar aggregate classification (germline): Likely benign. Review status: criteria provided, multiple submitters, no conflicts (2 of 4 stars). 2 submissions from 2 submitters: Likely benign (2). Last evaluated 2025-08-12.

Conditions:
Cohen syndrome (COH1). Also called: PEPPER SYNDROME; Cutis verticis gyrata, retinitis pigmentosa, and sensorineural deafness. Identifiers: Orphanet 193, MedGen C0265223, MONDO:0008999, OMIM 216550.
VPS13B-related disorder. Also called: VPS13B-related condition.

Submissions (2):

PreventionGenetics, part of Exact Sciences
Classification: Likely benign for VPS13B-related condition. Last evaluated: 2025-08-12. Review status: criteria provided, single submitter. Criteria: ACMG Guidelines, 2015. Collection method: clinical testing. Allele origin: germline.
Comment: This variant is classified as likely benign based on ACMG/AMP sequence variant interpretation guidelines (Richards et al. 2015 PMID: 25741868, with internal and published modifications).

Labcorp Genetics (formerly Invitae), Labcorp
Classification: Likely benign for Cohen syndrome. Last evaluated: 2023-09-15. Review status: criteria provided, single submitter. Criteria: Invitae Variant Classification Sherloc (09022015). Collection method: clinical testing. Allele origin: germline.